The following is an entry in ClinVar:

NM_001080442.3(SLC38A8):c.633-5T>G

Gene: SLC38A8 (solute carrier family 38 member 8; minus strand). Cytogenetic location: 16q23.3.
Variant type: single nucleotide variant.
Coding change: c.633-5T>G on transcript NM_001080442.3 (MANE Select); 5 bases into the intron before coding-DNA position 633, T replaced by G.
Molecular consequence: intron variant.
Genome position (GRCh38, 1-based): chr16:84,029,556, A>C on the plus strand (T>G on the coding strand, the complement: SLC38A8 is on the minus strand). VCF-style: chr16-84029556-A-C. GRCh37 (hg19) VCF-style: chr16-84063161-A-C.
Identifiers: ClinVar variation 1308889 (VCV001308889.5), dbSNP rs778342318, ClinGen allele CA8200120.

ClinVar aggregate classification (germline): Conflicting classifications of pathogenicity. Review status: criteria provided, conflicting classifications (1 of 4 stars). 2 submissions from 2 submitters: Uncertain significance (1); Likely benign (1). Last evaluated 2023-10-11.

Allele frequency attached by ClinVar (database versions not stated): ExAC 0.00002; gnomAD exomes 0.00002.
gnomAD v4.1: 45 of 1,613,940 alleles (0.0028%); highest among the groups gnomAD compares: Non-Finnish European, 0.0036%; no homozygotes.

Submissions (2):

Labcorp Genetics (formerly Invitae), Labcorp
Classification: Likely benign. Last evaluated: 2023-10-11. Review status: criteria provided, single submitter. Criteria: Invitae Variant Classification Sherloc (09022015). Collection method: clinical testing. Allele origin: germline.

GeneDx
Classification: Uncertain significance. Last evaluated: 2019-10-18. Review status: criteria provided, single submitter. Criteria: GeneDx Variant Classification Process June 2021. Collection method: clinical testing. Allele origin: germline. Affected: yes.
Comment: Not observed at a significant frequency in large population cohorts (Lek et al., 2016); Has not been previously published as pathogenic or benign to our knowledge; In-silico analysis, which includes splice predictors and evolutionary conservation, is inconclusive as to whether the variant alters gene splicing. In the absence of RNA/functional studies, the actual effect of this sequence change is unknown.